The following is an entry in ClinVar:

NM_000275.3(OCA2):c.934C>T (p.Gln312Ter)

Gene: OCA2 (OCA2 melanosomal transmembrane protein; minus strand). Cytogenetic location: 15q13.1.
Variant type: single nucleotide variant.
Coding change: c.934C>T on transcript NM_000275.3 (MANE Select); coding-DNA position 934, C replaced by T.
Protein change: p.Gln312Ter; replaces glutamine 312 with a stop codon.
Molecular consequence: nonsense.
Genome position (GRCh38, 1-based): chr15:28,014,886, G>A on the plus strand (C>T on the coding strand, the complement: OCA2 is on the minus strand). VCF-style: chr15-28014886-G-A. GRCh37 (hg19) VCF-style: chr15-28260032-G-A.
Other names: c.934C>T, p.Gln312Ter (NM_001300984.2); short protein forms Q312*.
Identifiers: ClinVar variation 2832488 (VCV002832488.3), dbSNP rs2548435190, ClinGen allele CA391365026.

ClinVar aggregate classification (germline): Pathogenic (1 of 4 stars; one submission).

Allele frequency attached by ClinVar (database versions not stated): gnomAD exomes below 0.00001.
gnomAD v4.1: 1 of 1,614,174 alleles (0.000062%); highest among the groups gnomAD compares: East Asian, 0.0022%; no homozygotes.

Submission:

Labcorp Genetics (formerly Invitae), Labcorp
Classification: Pathogenic. Last evaluated: 2023-01-28. Review status: criteria provided, single submitter. Criteria: Invitae Variant Classification Sherloc (09022015). Collection method: clinical testing. Allele origin: germline.
Comment: For these reasons, this variant has been classified as Pathogenic. This variant has not been reported in the literature in individuals affected with OCA2-related conditions. This variant is not present in population databases (gnomAD no frequency). This sequence change creates a premature translational stop signal (p.Gln312*) in the OCA2 gene. It is expected to result in an absent or disrupted protein product. Loss-of-function variants in OCA2 are known to be pathogenic (PMID: 19865097, 21541274).

Literature cited by the submitters: PubMed 19865097; PubMed 21541274.